The following is an entry in ClinVar:

NM_002473.6(MYH9):c.5659C>G (p.Gln1887Glu)

Gene: MYH9 (myosin heavy chain 9; minus strand). Cytogenetic location: 22q12.3.
Variant type: single nucleotide variant.
Coding change: c.5659C>G on transcript NM_002473.6 (MANE Select); coding-DNA position 5659, C replaced by G.
Protein change: p.Gln1887Glu; replaces glutamine 1887 with glutamic acid.
Molecular consequence: missense variant.
Genome position (GRCh38, 1-based): chr22:36,284,199, G>C on the plus strand (C>G on the coding strand, the complement: MYH9 is on the minus strand). VCF-style: chr22-36284199-G-C. GRCh37 (hg19) VCF-style: chr22-36680245-G-C.
Other names: short protein forms Q1887E.
Identifiers: ClinVar variation 2086779 (VCV002086779.4), dbSNP rs2517945500, ClinGen allele CA411372669.

ClinVar aggregate classification (germline): Uncertain significance (1 of 4 stars; one submission).

Submission:

Labcorp Genetics (formerly Invitae), Labcorp
Classification: Uncertain significance. Last evaluated: 2022-06-09. Review status: criteria provided, single submitter. Criteria: Invitae Variant Classification Sherloc (09022015). Collection method: clinical testing. Allele origin: germline.
Comment: In summary, the available evidence is currently insufficient to determine the role of this variant in disease. Therefore, it has been classified as a Variant of Uncertain Significance. Algorithms developed to predict the effect of missense changes on protein structure and function (SIFT, PolyPhen-2, Align-GVGD) all suggest that this variant is likely to be tolerated. This variant has not been reported in the literature in individuals affected with MYH9-related conditions. This variant is not present in population databases (gnomAD no frequency). This sequence change replaces glutamine, which is neutral and polar, with glutamic acid, which is acidic and polar, at codon 1887 of the MYH9 protein (p.Gln1887Glu).